The following is an entry in ClinVar:

ClinVar aggregate classification (germline): Uncertain significance (1 of 4 stars; one submission).

Conditions:
Developmental delay, impaired speech, and behavioral abnormalities. Identifiers: MedGen C5561957, MONDO:0859178, OMIM 619475.

Submission:

3billion
Classification: Uncertain significance for Developmental delay, impaired speech, and behavioral abnormalities. Last evaluated: 2022-01-03. Review status: criteria provided, single submitter. Criteria: ACMG Guidelines, 2015. Collection method: clinical testing. Allele origin: germline. Affected: yes. Observed: 1 heterozygote.
Comment: The variant is not observed in the gnomAD v2.1.1 dataset (PM2_M). In silico tool predictions suggest damaging effect of the variant on gene or gene product (REVEL: 0.773, PP3_P). A missense variant is a common mechanism associated with Developmental delay (PP2_P). Therefore, this variant is classified as uncertain significance according to the recommendation of ACMG/AMP guideline.

NM_003128.3(SPTBN1):c.5746T>C (p.Phe1916Leu)

Gene: SPTBN1 (spectrin beta, non-erythrocytic 1; plus strand). Cytogenetic location: 2p16.2.
Variant type: single nucleotide variant.
Coding change: c.5746T>C on transcript NM_003128.3 (MANE Select); coding-DNA position 5746, T replaced by C.
Protein change: p.Phe1916Leu; replaces phenylalanine 1916 with leucine.
Molecular consequence: missense variant.
Genome position (GRCh38, 1-based): chr2:54,653,777, T>C. VCF-style: chr2-54653777-T-C. GRCh37 (hg19) VCF-style: chr2-54880914-T-C.
Other names: c.5707T>C, p.Phe1903Leu (NM_178313.3); short protein forms F1903L, F1916L.
Identifiers: ClinVar variation 1333632 (VCV001333632.1), dbSNP rs1680464854, ClinGen allele CA346853498.
Genomic context (GRCh38, chr2:54,653,777, plus strand): 5'-CTCCTGGACGCCTGTGAGAGCCGCAGGGTGCGGCTGGTGGACACAGGGGACAAGTTCCGC[T>C]TCTTCAGCATGGTGCGCGACCTCATGCTCTGGATGGAGGATGTCATCCGGCAGATCGAGG-3'
Protein context (NP_003119.2, residues 1906-1926): RLVDTGDKFR[Phe1916Leu]FSMVRDLMLW